The following is an entry in ClinVar:

NM_182961.4(SYNE1):c.16278G>A (p.Thr5426=)

Gene: SYNE1 (spectrin repeat containing nuclear envelope protein 1; minus strand). Cytogenetic location: 6q25.2.
Variant type: single nucleotide variant.
Coding change: c.16278G>A on transcript NM_182961.4 (MANE Select); coding-DNA position 16278, G replaced by A.
Protein change: p.Thr5426=; no amino-acid change (threonine 5426 retained).
Molecular consequence: synonymous variant.
Genome position (GRCh38, 1-based): chr6:152,318,974, C>T on the plus strand (G>A on the coding strand, the complement: SYNE1 is on the minus strand). VCF-style: chr6-152318974-C-T. GRCh37 (hg19) VCF-style: chr6-152640109-C-T.
Other names: c.16065G>A, p.Thr5355= (NM_033071.5).
Identifiers: ClinVar variation 288737 (VCV000288737.14), dbSNP rs779112403, ClinGen allele CA4055556.
Genomic context (GRCh38, chr6:152,318,974, plus strand): 5'-AGTTAGAATAGTTGTGAGGTCTTTAGCTAACTTCTGAATTTGCCGGCTGAGTTCCTGGCT[C>T]GTGGCCTTGCTCTGCTCAACTTCTTTTATTTTGTCTTGGATCTAAAAAAATCAGTAAGAA-3'
Protein context (NP_892006.3, residues 5416-5436): KIKEVEQSKA[Thr5426=]SQELSRQIQK

ClinVar aggregate classification (germline): Conflicting classifications of pathogenicity. Review status: criteria provided, conflicting classifications (1 of 4 stars). 4 submissions from 4 submitters: Uncertain significance (1); Likely benign (3). Last evaluated 2024-04-15.

Conditions:
Emery-Dreifuss muscular dystrophy 4, autosomal dominant (EDMD4). Also called: EMERY-DREIFUSS MUSCULAR DYSTROPHY 4 WITH VARIABLE FEATURES. Identifiers: Orphanet 261, MedGen C2751807, MONDO:0013071, OMIM 612998.
Autosomal recessive ataxia, Beauce type. Also called: Spinocerebellar ataxia, autosomal recessive 8; SYNE1-Related Autosomal Recessive Cerebellar Ataxia; SYNE1 Deficiency; ATAXIA, RECESSIVE, OF BEAUCE. Identifiers: Orphanet 88644, MedGen C1853116, MONDO:0012549, OMIM 610743.

Allele frequency attached by ClinVar (database versions not stated): TOPMed 0.00005; gnomAD exomes 0.00026 and 0.00005; ExAC 0.00003; gnomAD 0.00004.
gnomAD v4.1: 374 of 1,614,038 alleles (0.023%); highest among the groups gnomAD compares: Non-Finnish European, 0.031%; 1 homozygote.

Submissions (4):

Labcorp Genetics (formerly Invitae), Labcorp
Classification: Likely benign for Emery-Dreifuss muscular dystrophy 4, autosomal dominant; Autosomal recessive ataxia, Beauce type. Last evaluated: 2024-04-15. Review status: criteria provided, single submitter. Criteria: Invitae Variant Classification Sherloc (09022015). Collection method: clinical testing. Allele origin: germline.

Blueprint Genetics
Classification: Likely benign. Last evaluated: 2023-05-11. Review status: criteria provided, single submitter. Criteria: ACMG Guidelines, 2015. Collection method: clinical testing. Allele origin: germline.

GeneDx
Classification: Likely benign. Last evaluated: 2017-03-27. Review status: criteria provided, single submitter. Criteria: GeneDx Variant Classification (06012015). Collection method: clinical testing. Allele origin: germline. Affected: yes.
Comment: This variant is considered likely benign or benign based on one or more of the following criteria: it is a conservative change, it occurs at a poorly conserved position in the protein, it is predicted to be benign by multiple in silico algorithms, and/or has population frequency not consistent with disease.

Eurofins Ntd Llc (ga)
Classification: Uncertain significance. Last evaluated: 2016-06-14. Review status: criteria provided, single submitter. Criteria: EGL Classification Definitions 2015. Collection method: clinical testing. Allele origin: germline. Observed: 2 variant alleles, 2 heterozygotes.